The following is an entry in ClinVar:

NM_005589.4(ALDH6A1):c.878T>G (p.Met293Arg)

Genes: ALDH6A1 (aldehyde dehydrogenase 6 family member A1; minus strand), BBOF1 (basal body orientation factor 1; plus strand). Cytogenetic location: 14q24.3.
Variant type: single nucleotide variant.
Coding change: c.878T>G on transcript NM_005589.4 (MANE Select); coding-DNA position 878, T replaced by G.
Protein change: p.Met293Arg; replaces methionine 293 with arginine.
Molecular consequence: missense variant.
Genome position (GRCh38, 1-based): chr14:74,067,544, A>C on the plus strand (T>G on the coding strand, the complement: ALDH6A1 is on the minus strand). VCF-style: chr14-74067544-A-C. GRCh37 (hg19) VCF-style: chr14-74534247-A-C.
Other names: c.878T>G (NM_005589.3); c.839T>G, p.Met280Arg (NM_001278593.2); c.416T>G, p.Met139Arg (NM_001278594.2); short protein forms M139R, M280R, M293R.
Identifiers: ClinVar variation 1367704 (VCV001367704.9), dbSNP rs201647107, ClinGen allele CA7265738.

ClinVar aggregate classification (germline): Uncertain significance (1 of 4 stars; one submission).

Conditions:
Methylmalonate semialdehyde dehydrogenase deficiency (MMSDHD). Also called: MMSDH DEFICIENCY. Identifiers: Orphanet 289307, MedGen C3279840, MONDO:0013579, OMIM 614105.

Allele frequency attached by ClinVar (database versions not stated): ExAC 0.00002; TOPMed 0.00003; gnomAD 0.00004; gnomAD exomes 0.00004 and 0.00005; ESP Exome Variant Server 0.00008; 1000 Genomes Project 30x 0.00016; 1000 Genomes Project 0.00020.
gnomAD v4.1: 88 of 1,614,156 alleles (0.0055%); highest among the groups gnomAD compares: Non-Finnish European, 0.0069%; no homozygotes.

Submission:

Labcorp Genetics (formerly Invitae), Labcorp
Classification: Uncertain significance. Last evaluated: 2021-12-03. Review status: criteria provided, single submitter. Criteria: Invitae Variant Classification Sherloc (09022015). Collection method: clinical testing. Allele origin: germline.
Comment: This variant has not been reported in the literature in individuals affected with ALDH6A1-related conditions. In summary, the available evidence is currently insufficient to determine the role of this variant in disease. Therefore, it has been classified as a Variant of Uncertain Significance. Algorithms developed to predict the effect of missense changes on protein structure and function are either unavailable or do not agree on the potential impact of this missense change (SIFT: "Deleterious"; PolyPhen-2: "Probably Damaging"; Align-GVGD: "Class C0"). This variant is present in population databases (rs201647107, gnomAD 0.008%). This sequence change replaces methionine, which is neutral and non-polar, with arginine, which is basic and polar, at codon 293 of the ALDH6A1 protein (p.Met293Arg).